The following is an entry in ClinVar:

NM_005765.3(ATP6AP2):c.692A>T (p.Glu231Val)

Gene: ATP6AP2 (ATPase H+ transporting accessory protein 2; plus strand). Cytogenetic location: Xp11.4.
Variant type: single nucleotide variant.
Coding change: c.692A>T on transcript NM_005765.3 (MANE Select); coding-DNA position 692, A replaced by T.
Protein change: p.Glu231Val; replaces glutamic acid 231 with valine.
Molecular consequence: missense variant.
Genome position (GRCh38, 1-based): chrX:40,599,695, A>T. VCF-style: chrX-40599695-A-T. GRCh37 (hg19) VCF-style: chrX-40458947-A-T.
Other names: short protein forms E231V.
Identifiers: ClinVar variation 1422943 (VCV001422943.8), dbSNP rs776952090, ClinGen allele CA10387252.

ClinVar aggregate classification (germline): Uncertain significance (1 of 4 stars; one submission).

Conditions:
Intellectual developmental disorder, X-linked, syndromic, Hedera type. Also called: Syndromic X-linked intellectual disability Hedera type. Identifiers: Orphanet 93952, MedGen C1845543, MONDO:0010319, OMIM 300423.

Allele frequency attached by ClinVar (database versions not stated): gnomAD 0.00001; gnomAD exomes 0.00001; ExAC 0.00001; 1000 Genomes Project 0.00026; 1000 Genomes Project 30x 0.00042.
gnomAD v4.1: 1 of 1,209,910 alleles (0.000083%); highest among the groups gnomAD compares: Admixed American, 0.0022%; no homozygotes.

Submission:

Labcorp Genetics (formerly Invitae), Labcorp
Classification: Uncertain significance for Intellectual developmental disorder, X-linked, syndromic, Hedera type. Last evaluated: 2023-10-19. Review status: criteria provided, single submitter. Criteria: Invitae Variant Classification Sherloc (09022015). Collection method: clinical testing. Allele origin: germline.
Comment: This sequence change replaces glutamic acid, which is acidic and polar, with valine, which is neutral and non-polar, at codon 231 of the ATP6AP2 protein (p.Glu231Val). This variant is not present in population databases (gnomAD no frequency). This variant has not been reported in the literature in individuals affected with ATP6AP2-related conditions. ClinVar contains an entry for this variant (Variation ID: 1422943). Advanced modeling of protein sequence and biophysical properties (such as structural, functional, and spatial information, amino acid conservation, physicochemical variation, residue mobility, and thermodynamic stability) performed at Invitae indicates that this missense variant is not expected to disrupt ATP6AP2 protein function. In summary, the available evidence is currently insufficient to determine the role of this variant in disease. Therefore, it has been classified as a Variant of Uncertain Significance.